The following is an entry in ClinVar:

ClinVar aggregate classification (germline): Uncertain significance (1 of 4 stars; one submission).

Conditions:
Intellectual developmental disorder, autosomal dominant 1. Also called: Intellectual disability, autosomal dominant 1; MBD5 Haploinsufficiency. Identifiers: Orphanet 228402, MedGen C1969562, MONDO:0007974, OMIM 156200.

Allele frequency attached by ClinVar (database versions not stated): gnomAD exomes below 0.00001.
gnomAD v4.1: 1 of 1,613,956 alleles (0.000062%); highest among the groups gnomAD compares: South Asian, 0.0011%; no homozygotes.

Submission:

Baylor Genetics
Classification: Uncertain significance for Intellectual developmental disorder, autosomal dominant 1. Last evaluated: 2020-08-03. Review status: criteria provided, single submitter. Criteria: ACMG Guidelines, 2015. Collection method: clinical testing. Allele origin: unknown. Affected: yes.
Comment: This variant was determined to be of uncertain significance according to ACMG Guidelines, 2015 [PMID:25741868].

NM_001378120.1(MBD5):c.2393A>G (p.Gln798Arg)

Gene: MBD5 (methyl-CpG binding domain protein 5; plus strand). Cytogenetic location: 2q23.1.
Variant type: single nucleotide variant.
Coding change: c.2393A>G on transcript NM_001378120.1 (MANE Select); coding-DNA position 2393, A replaced by G.
Protein change: p.Gln798Arg; replaces glutamine 798 with arginine.
Molecular consequence: missense variant.
Genome position (GRCh38, 1-based): chr2:148,470,336, A>G. VCF-style: chr2-148470336-A-G. GRCh37 (hg19) VCF-style: chr2-149227905-A-G.
Other names: c.2393A>G, p.Gln798Arg (NM_018328.5); short protein forms Q798R.
Identifiers: ClinVar variation 1030646 (VCV001030646.1), dbSNP rs1680753685, ClinGen allele CA348721773.